The following is an entry in ClinVar:

NM_025114.4(CEP290):c.2213T>A (p.Leu738Ter)

Gene: CEP290 (centrosomal protein 290; minus strand). Cytogenetic location: 12q21.32.
Variant type: single nucleotide variant.
Coding change: c.2213T>A on transcript NM_025114.4 (MANE Select); coding-DNA position 2213, T replaced by A.
Protein change: p.Leu738Ter; replaces leucine 738 with a stop codon.
Molecular consequence: nonsense.
Genome position (GRCh38, 1-based): chr12:88,111,698, A>T on the plus strand (T>A on the coding strand, the complement: CEP290 is on the minus strand). VCF-style: chr12-88111698-A-T. GRCh37 (hg19) VCF-style: chr12-88505475-A-T.
Other names: short protein forms L738*.
Identifiers: ClinVar variation 4064304 (VCV004064304.2).

ClinVar aggregate classification (germline): Likely pathogenic (1 of 4 stars; one submission).

Conditions:
Leber congenital amaurosis (LCA). Also called: Leber's amaurosis. Identifiers: Orphanet 65, MedGen C0339527, MeSH D057130, MONDO:0018998.

Submission:

Natera, Inc.
Classification: Likely pathogenic for Leber congenital amaurosis. Last evaluated: 2025-03-17. Review status: criteria provided, single submitter. Criteria: Natera Variant Classification Schema (03/2026). Collection method: clinical testing. Allele origin: germline.
Comment: The c.2213T>A variant in CEP290 is a nonsense variant predicted to introduce a stop codon at amino acid 738. This variant is expected to result in nonsense mediated decay, truncation, or a dysfunctional protein product. This variant is rare in the general population with a frequency below the threshold expected for the associated phenotype(s). Given the available evidence, this variant is classified as Likely Pathogenic.